The following is an entry in ClinVar:

NM_001953.5(TYMP):c.1401C>A (p.Phe467Leu)

Genes: SCO2 (synthesis of cytochrome C oxidase 2; minus strand), TYMP (thymidine phosphorylase; minus strand), LOC130067862 (ATAC-STARR-seq lymphoblastoid silent region 13986; plus strand). Cytogenetic location: 22q13.33.
Variant type: single nucleotide variant.
Coding change: c.1401C>A on transcript NM_001953.5 (MANE Select); coding-DNA position 1401, C replaced by A.
Protein change: p.Phe467Leu; replaces phenylalanine 467 with leucine.
Molecular consequence: missense variant. On other transcripts: intron variant (2).
Genome position (GRCh38, 1-based): chr22:50,525,818, G>T on the plus strand (C>A on the coding strand, the complement: TYMP is on the minus strand). VCF-style: chr22-50525818-G-T. GRCh37 (hg19) VCF-style: chr22-50964247-G-T.
Other names: c.-14+183C>A (NM_001169110.1); c.1401C>A, p.Phe467Leu (NM_001113755.3, NM_001113756.3, NM_001257988.1); c.1416C>A, p.Phe472Leu (NM_001257989.1); c.-14+428C>A (NM_001169109.2); short protein forms F472L, F467L.
Identifiers: ClinVar variation 5003261 (VCV005003261.1).

ClinVar aggregate classification (germline): Uncertain significance (1 of 4 stars; one submission).

Conditions:
Mitochondrial DNA depletion syndrome 1. Also called: Mitochondrial neurogastrointestinal encephalomyopathy syndrome; Mitochondrial DNA depletion syndrome 1 (MNGIE type); Mitochondrial DNA Depletion Syndrome, MNGIE Form; POLIP SYNDROME; POLYNEUROPATHY, OPHTHALMOPLEGIA, LEUKOENCEPHALOPATHY, AND INTESTINAL PSEUDOOBSTRUCTION; Mitochondrial Neurogastrointestinal Encephalopathy Disease. Identifiers: Orphanet 298, MedGen C4551995, MONDO:0011283, OMIM 603041.

gnomAD v4.1: 1 of 1,610,338 alleles (0.000062%); highest among the groups gnomAD compares: Non-Finnish European, 0.000085%; no homozygotes.

Submission:

Myriad Genetics, Inc.
Classification: Uncertain significance for Mitochondrial DNA depletion syndrome 1. Last evaluated: 2026-03-19. Review status: criteria provided, single submitter. Criteria: Myriad Autosomal Dominant, Autosomal Recessive and X-Linked Classification Criteria (2023). Collection method: clinical testing. Allele origin: unknown.
Comment: NM_001953.4(TYMP):c.1401C>A(F467L) is a missense variant classified as a variant of uncertain significance in the context of mitochondrial neurogastrointestinal encephalopathy disease. F467L has been observed in a case with relevant disease (PMID: 2193380). Relevant functional assessments of this variant are not available in the literature. F467L has not been observed in referenced population frequency databases. In summary, there is insufficient evidence to classify NM_001953.4(TYMP):c.1401C>A(F467L) as pathogenic or benign. Please note: this variant was assessed in the context of healthy population screening.

Literature cited by the submitters: PubMed 2193380.